The following is an entry in ClinVar:

NM_176787.5(PIGN):c.364G>C (p.Glu122Gln)

Gene: PIGN (phosphatidylinositol glycan anchor biosynthesis class N; minus strand). Cytogenetic location: 18q21.33.
Variant type: single nucleotide variant.
Coding change: c.364G>C on transcript NM_176787.5 (MANE Select); coding-DNA position 364, G replaced by C.
Protein change: p.Glu122Gln; replaces glutamic acid 122 with glutamine.
Molecular consequence: missense variant.
Genome position (GRCh38, 1-based): chr18:62,157,207, C>G on the plus strand (G>C on the coding strand, the complement: PIGN is on the minus strand). VCF-style: chr18-62157207-C-G. GRCh37 (hg19) VCF-style: chr18-59824440-C-G.
Other names: c.364G>C, p.Glu122Gln (NM_012327.6); short protein forms E122Q.
Identifiers: ClinVar variation 218858 (VCV000218858.46), dbSNP rs200756305, ClinGen allele CA249364.

ClinVar aggregate classification (germline): Conflicting classifications of pathogenicity. Review status: criteria provided, conflicting classifications (1 of 4 stars). 7 submissions from 7 submitters: Uncertain significance (2); Benign (1); Likely benign (3). 1 of the submissions does not count toward it. Last evaluated 2026-02-02.

Conditions:
PIGN-related disorder. Also called: PIGN-related condition.
Inborn genetic diseases. Identifiers: MedGen C0950123, MeSH D030342.
Multiple congenital anomalies-hypotonia-seizures syndrome 1 (MCAHS1). Also called: PIGN-CDG; Congenital disorder of glycosylation due to PIGN deficiency; GLYCOSYLPHOSPHATIDYLINOSITOL BIOSYNTHESIS DEFECT 3. Identifiers: Orphanet 280633, MedGen C3279775, MONDO:0013563, OMIM 614080.

Allele frequency attached by ClinVar (database versions not stated): 1000 Genomes Project 0.00040; ESP Exome Variant Server 0.00042; gnomAD 0.00043 and 0.00050; 1000 Genomes Project 30x 0.00047; TOPMed 0.00057; gnomAD exomes 0.00059 and 0.00074; ExAC 0.00092.
gnomAD v4.1: 966 of 1,605,066 alleles (0.06%); highest among the groups gnomAD compares: Middle Eastern, 1%; 4 homozygotes.

Submissions (7):

Labcorp Genetics (formerly Invitae), Labcorp
Classification: Benign for Multiple congenital anomalies-hypotonia-seizures syndrome 1. Last evaluated: 2026-02-02. Review status: criteria provided, single submitter. Criteria: Invitae Variant Classification Sherloc (09022015). Collection method: clinical testing. Allele origin: germline.

CeGaT Center for Human Genetics Tuebingen
Classification: Likely benign. Last evaluated: 2026-01-01. Review status: criteria provided, single submitter. Criteria: CeGaT Center For Human Genetics Tuebingen Variant Classification Criteria Version 2. Collection method: clinical testing. Allele origin: germline. Affected: yes. Observed: 8 variant alleles.
Comment: PIGN: BS2

Blueprint Genetics
Classification: Likely benign. Last evaluated: 2024-11-19. Review status: criteria provided, single submitter. Criteria: ACMG Guidelines, 2015. Collection method: clinical testing. Allele origin: germline.

Ambry Genetics
Classification: Uncertain significance for Inborn genetic diseases. Last evaluated: 2022-06-27. Review status: criteria provided, single submitter. Criteria: Ambry Variant Classification Scheme 2023. Collection method: clinical testing. Allele origin: germline.

GeneDx
Classification: Likely benign. Last evaluated: 2021-01-29. Review status: criteria provided, single submitter. Criteria: GeneDx Variant Classification Process June 2021. Collection method: clinical testing. Allele origin: germline. Affected: yes.
Comment: In silico analysis supports that this missense variant does not alter protein structure/function

Genomic Diagnostic Laboratory, Division of Genomic Diagnostics, Children's Hospital of Philadelphia
Classification: Uncertain significance. Last evaluated: 2015-05-11. Review status: criteria provided, single submitter. Criteria: DGD Variant Analysis Guidelines. Collection method: clinical testing. Allele origin: unknown.

PreventionGenetics, part of Exact Sciences
Classification: Likely benign for PIGN-related condition. Last evaluated: 2024-06-24. Review status: no assertion criteria provided. Collection method: clinical testing. Allele origin: germline. Not counted in ClinVar's aggregate classification.
Comment: This variant is classified as likely benign based on ACMG/AMP sequence variant interpretation guidelines (Richards et al. 2015 PMID: 25741868, with internal and published modifications).